The following is an entry in ClinVar:

NM_144631.6(ZNF513):c.278G>A (p.Arg93Gln)

Gene: ZNF513 (zinc finger protein 513; minus strand). Cytogenetic location: 2p23.3.
Variant type: single nucleotide variant.
Coding change: c.278G>A on transcript NM_144631.6 (MANE Select); coding-DNA position 278, G replaced by A.
Protein change: p.Arg93Gln; replaces arginine 93 with glutamine.
Molecular consequence: missense variant.
Genome position (GRCh38, 1-based): chr2:27,378,988, C>T on the plus strand (G>A on the coding strand, the complement: ZNF513 is on the minus strand). VCF-style: chr2-27378988-C-T. GRCh37 (hg19) VCF-style: chr2-27601855-C-T.
Other names: c.92G>A, p.Arg31Gln (NM_001201459.2); short protein forms R93Q, R31Q.
Identifiers: ClinVar variation 846800 (VCV000846800.9), dbSNP rs746787789, ClinGen allele CA1578083.

ClinVar aggregate classification (germline): Uncertain significance. Review status: criteria provided, multiple submitters, no conflicts (2 of 4 stars). 2 submissions from 2 submitters: Uncertain significance (2). Last evaluated 2025-09-29.

Allele frequency attached by ClinVar (database versions not stated): ExAC 0.00001; TOPMed 0.00002.

Submissions (2):

Labcorp Genetics (formerly Invitae), Labcorp
Classification: Uncertain significance. Last evaluated: 2025-09-29. Review status: criteria provided, single submitter. Criteria: Invitae Variant Classification Sherloc (09022015). Collection method: clinical testing. Allele origin: germline.
Comment: This sequence change replaces arginine, which is basic and polar, with glutamine, which is neutral and polar, at codon 93 of the ZNF513 protein (p.Arg93Gln). This variant is present in population databases (rs746787789, gnomAD 0.009%). This variant has not been reported in the literature in individuals affected with ZNF513-related conditions. ClinVar contains an entry for this variant (Variation ID: 846800). An algorithm developed to predict the effect of missense changes on protein structure and function (PolyPhen-2) suggests that this variant is likely to be tolerated. In summary, the available evidence is currently insufficient to determine the role of this variant in disease. Therefore, it has been classified as a Variant of Uncertain Significance.

Ambry Genetics
Classification: Uncertain significance. Last evaluated: 2023-04-20. Review status: criteria provided, single submitter. Criteria: Ambry Variant Classification Scheme 2023. Collection method: clinical testing. Allele origin: germline.